The following is an entry in ClinVar:

ClinVar aggregate classification (germline): Uncertain significance (1 of 4 stars; one submission).

Conditions:
Inborn genetic diseases. Identifiers: MedGen C0950123, MeSH D030342.

Submission:

Ambry Genetics
Classification: Uncertain significance for Inborn genetic diseases. Last evaluated: 2020-10-05. Review status: criteria provided, single submitter. Criteria: Ambry Variant Classification Scheme 2023. Collection method: clinical testing. Allele origin: germline.
Comment: The c.1072_1078dupGTTGCCA variant, located in coding exon 6 of the DYNC1H1 gene, results from a duplication of GTTGCCA at nucleotide position 1072, causing a translational frameshift with a predicted alternate stop codon (p.I360Sfs*42). This alteration is expected to result in premature protein truncation or nonsense-mediated mRNA decay. However, loss of function of DYNC1H1 has not been clearly established as a mechanism of disease. Since supporting evidence is limited at this time, the clinical significance of this alteration remains unclear.

NM_001376.5(DYNC1H1):c.1072_1078dup (p.Ile360fs)

Gene: DYNC1H1 (dynein cytoplasmic 1 heavy chain 1; plus strand). Cytogenetic location: 14q32.31.
Variant type: Duplication.
Coding change: c.1072_1078dup on transcript NM_001376.5 (MANE Select); coding-DNA positions 1072 to 1078, 7 bases duplicated (GTTGCCA; older notation c.1072_1078dupGTTGCCA).
Protein change: p.Ile360fs; shifts the reading frame from isoleucine 360.
Molecular consequence: frameshift variant.
Genome position (GRCh38, 1-based): chr14:101,983,129-101,983,135, GTTGCCA duplicated. VCF-style (leftmost placement, unchanged base first): chr14-101983128-T-TGTTGCCA. GRCh37 (hg19) VCF-style: chr14-102449465-T-TGTTGCCA.
Other names: c.1072_1078dupGTTGCCA (NM_001376.4); short protein forms I360fs.
Identifiers: ClinVar variation 1783746 (VCV001783746.2), dbSNP rs2503685577, ClinGen allele CA2580088384.